The following is an entry in ClinVar:

ClinVar aggregate classification (germline): Uncertain significance. Review status: criteria provided, multiple submitters, no conflicts (2 of 4 stars). 3 submissions from 3 submitters: Uncertain significance (2). 1 of the submissions does not count toward it. Last evaluated 2026-06-04.

Conditions:
TTC8-related disorder. Also called: TTC8-related condition.

Allele frequency attached by ClinVar (database versions not stated): gnomAD 0.00008 and 0.00009; TOPMed 0.00009; gnomAD exomes 0.00013; ExAC 0.00023.
gnomAD v4.1: 172 of 1,456,296 alleles (0.012%); highest among the groups gnomAD compares: Middle Eastern, 0.24%; no homozygotes.

Submissions (3):

PreventionGenetics, part of Exact Sciences
Classification: Uncertain significance for TTC8-related condition. Last evaluated: 2026-06-04. Review status: criteria provided, single submitter. Criteria: ACMG Guidelines, 2015. Collection method: clinical testing. Allele origin: germline.
Comment: The TTC8 c.614T>C variant is predicted to result in the amino acid substitution p.Val205Ala. To our knowledge, this variant has not been reported in the literature. This variant corresponds to c.594+2767T>C on the canonical TTC8 transcript (NM_198309.3). This variant is reported in 0.024% of alleles in individuals of South Asian descent in gnomAD. Although we suspect this variant is more likely to be benign, at this time, the clinical significance of this variant is uncertain due to the absence of conclusive functional and genetic evidence.

Blueprint Genetics
Classification: Uncertain significance. Last evaluated: 2024-11-21. Review status: criteria provided, single submitter. Criteria: ACMG Guidelines, 2015. Collection method: clinical testing. Allele origin: germline.

Department of Pathology and Laboratory Medicine, Sinai Health System
Classification: Uncertain significance. Review status: no assertion criteria provided. Collection method: clinical testing. Allele origin: unknown. Affected: yes. Study: The Canadian Open Genetics Repository (COGR). Not counted in ClinVar's aggregate classification.
Comment: The TTC8 p.Val205Ala variant was not identified in the literature nor was it identified in ClinVar. The variant was identified in dbSNP (ID: rs200350286) and in control databases in 18 of 161478 chromosomes at a frequency of 0.0001115 (Genome Aggregation Database March 6, 2019, v2.1.1). The variant was observed in the following populations: Other in 5 of 5074 chromosomes (freq: 0.000985), South Asian in 5 of 20554 chromosomes (freq: 0.000243), European (non-Finnish) in 6 of 67270 chromosomes (freq: 0.000089), African in 1 of 14982 chromosomes (freq: 0.000067) and Latino in 1 of 23394 chromosomes (freq: 0.000043), but was not observed in the Ashkenazi Jewish, East Asian, or European (Finnish) populations. The p.Val205 residue is not conserved in mammals and three out of four computational analyses (SIFT, AlignGVGD, BLOSUM, MutationTaster) do not suggest a high likelihood of impact to the protein; however, this information is not predictive enough to rule out pathogenicity. The variant occurs outside of the splicing consensus sequence and in silico or computational prediction software programs (SpliceSiteFinder, MaxEntScan, NNSPLICE, GeneSplicer) do not predict a difference in splicing. In summary, based on the above information the clinical significance of this variant cannot be determined with certainty at this time. This variant is classified as a variant of uncertain significance.

NM_144596.4(TTC8):c.624+2767T>C

Gene: TTC8 (tetratricopeptide repeat domain 8; plus strand). Cytogenetic location: 14q31.3.
Variant type: single nucleotide variant.
Coding change: c.624+2767T>C on transcript NM_144596.4 (MANE Select); 2767 bases into the intron after coding-DNA position 624, T replaced by C.
Molecular consequence: intron variant. On other transcripts: missense variant (1).
Genome position (GRCh38, 1-based): chr14:88,846,617, T>C. VCF-style: chr14-88846617-T-C. GRCh37 (hg19) VCF-style: chr14-89312961-T-C.
Other names: c.614T>C, p.Val205Ala (NM_001288781.1); c.30+5060T>C (NM_001288782.1); c.594+2767T>C (NM_198309.3, NM_001366535.2); c.-153-231T>C (NM_001288783.1); c.504+2767T>C (NM_198310.3, NM_001366536.2); short protein forms V205A.
Identifiers: ClinVar variation 1049639 (VCV001049639.5), dbSNP rs200350286, ClinGen allele CA7302542.
Genomic context (GRCh38, chr14:88,846,617, plus strand): 5'-AGCCATTTGTAGGTCATGGTGACAATGTTTTTTATTAATAGATTCATCTTGAAGATGTAG[T>C]TCTACATCTTGGAATTTACCCATTCTTATTGAGGAATAAAAATCACATTGAAAAAAATGT-3'